The following is an entry in ClinVar:

ClinVar aggregate classification (germline): Likely benign (1 of 4 stars; one submission).

Allele frequency attached by ClinVar (database versions not stated): 1000 Genomes Project 0.00739.

Submission:

CeGaT Center for Human Genetics Tuebingen
Classification: Likely benign. Last evaluated: 2026-08-01. Review status: criteria provided, single submitter. Criteria: CeGaT Center For Human Genetics Tuebingen Variant Classification Criteria Version 2. Collection method: clinical testing. Allele origin: germline. Affected: yes. Observed: 4 variant alleles.
Comment: HLA-DQB1: PM2:Supporting, BP4, BP7

NM_002123.5(HLA-DQB1):c.81C>T (p.Ser27=)

Gene: HLA-DQB1 (major histocompatibility complex, class II, DQ beta 1; minus strand). Cytogenetic location: 6p21.32.
Variant type: single nucleotide variant.
Coding change: c.81C>T on transcript NM_002123.5 (MANE Select); coding-DNA position 81, C replaced by T.
Protein change: p.Ser27=; no amino-acid change (serine 27 retained).
Molecular consequence: synonymous variant.
Genome position (GRCh38, 1-based): chr6:32,666,527, G>A on the plus strand (C>T on the coding strand, the complement: HLA-DQB1 is on the minus strand). VCF-style: chr6-32666527-G-A. GRCh37 (hg19) VCF-style: chr6-32634304-G-A.
Other names: c.81C>T, p.Ser27= (NM_001243961.2); c.81C>T, p.Thr27= (NM_001243962.1).
Identifiers: ClinVar variation 2656474 (VCV002656474.24), dbSNP rs574506463, ClinGen allele CA137000898.